The following is an entry in ClinVar:

ClinVar aggregate classification (germline): Uncertain significance (1 of 4 stars; one submission).

Submission:

Labcorp Genetics (formerly Invitae), Labcorp
Classification: Uncertain significance. Last evaluated: 2024-11-18. Review status: criteria provided, single submitter. Criteria: Invitae Variant Classification Sherloc (09022015). Collection method: clinical testing. Allele origin: germline.
Comment: This sequence change replaces serine, which is neutral and polar, with cysteine, which is neutral and slightly polar, at codon 356 of the PALM protein (p.Ser356Cys). This variant is not present in population databases (gnomAD no frequency). This variant has not been reported in the literature in individuals affected with PALM-related conditions. ClinVar contains an entry for this variant (Variation ID: 2010091). An algorithm developed to predict the effect of missense changes on protein structure and function (PolyPhen-2) suggests that this variant is likely to be disruptive. In summary, the available evidence is currently insufficient to determine the role of this variant in disease. Therefore, it has been classified as a Variant of Uncertain Significance.

NM_002579.3(PALM):c.1067C>G (p.Ser356Cys)

Gene: PALM (paralemmin; plus strand). Cytogenetic location: 19p13.3.
Variant type: single nucleotide variant.
Coding change: c.1067C>G on transcript NM_002579.3 (MANE Select); coding-DNA position 1067, C replaced by G.
Protein change: p.Ser356Cys; replaces serine 356 with cysteine.
Molecular consequence: missense variant.
Genome position (GRCh38, 1-based): chr19:746,717, C>G. VCF-style: chr19-746717-C-G. GRCh37 (hg19) VCF-style: chr19-746717-C-G.
Other names: c.935C>G, p.Ser312Cys (NM_001040134.2); short protein forms S312C, S356C.
Identifiers: ClinVar variation 2010091 (VCV002010091.4), dbSNP rs2511997268, ClinGen allele CA402892181.